The following is an entry in ClinVar:

NM_033380.3(COL4A5):c.3659G>A (p.Gly1220Asp)

Gene: COL4A5 (collagen type IV alpha 5 chain; plus strand). Cytogenetic location: Xq22.3.
Variant type: single nucleotide variant.
Coding change: c.3659G>A on transcript NM_033380.3 (MANE Select); coding-DNA position 3659, G replaced by A.
Protein change: p.Gly1220Asp; replaces glycine 1220 with aspartic acid.
Molecular consequence: missense variant.
Genome position (GRCh38, 1-based): chrX:108,668,373, G>A. VCF-style: chrX-108668373-G-A. GRCh37 (hg19) VCF-style: chrX-107911603-G-A.
Other names: c.3659G>A, p.Gly1220Asp (NM_000495.5); short protein forms G1220D.
Identifiers: ClinVar variation 24666 (VCV000024666.15), dbSNP rs104886251, ClinGen allele CA258923.

ClinVar aggregate classification (germline): Pathogenic/Likely pathogenic. Review status: criteria provided, multiple submitters, no conflicts (2 of 4 stars). 5 submissions from 5 submitters: Pathogenic (4); Likely pathogenic (1). Last evaluated 2025-09-09.

Conditions:
X-linked Alport syndrome (ATS1). Also called: COL4A5-Related Nephropathy; NEPHROPATHY AND DEAFNESS, X-LINKED. Identifiers: Orphanet 63, Orphanet 88917, MedGen C4746986, MONDO:0010520, OMIM 301050.

Submissions (5):

Natera, Inc.
Classification: Pathogenic for X-linked Alport syndrome. Last evaluated: 2025-09-09. Review status: criteria provided, single submitter. Criteria: Natera Variant Classification Schema (03/2026). Collection method: clinical testing. Allele origin: germline.
Comment: The c.3659G>A variant in COL4A5 is a missense variant predicted to cause substitution of glycine to aspartic acid at amino acid 1220. This variant is rare in the general population with a frequency below the threshold expected for the associated phenotype(s). This variant has been observed in affected individual(s) with monoallelic occurrence (heterozygous/hemizygous) (PMID: 34215756, 20378821, 10094548). This variant is located in a functionally critical region of the protein. Computational prediction algorithms indicate this variant is likely to affect gene or protein function. Given the available evidence, this variant is classified as Pathogenic.

INGEBI, INGEBI / CONICET
Classification: Pathogenic for X-linked Alport syndrome. Last evaluated: 2021-07-15. Review status: criteria provided, single submitter. Criteria: ClinGen HL ACMG Specifications v1. Collection method: clinical testing. Allele origin: germline. Inheritance: X-linked inheritance. Affected: yes.
Comment: Based on ACMG/AMP guidelines and Hearing Loss Expert Panel specific criteria: The c.3659 G>A (p.Gly1220Asp) in COL4A5 gene is absent from population databases, so PM2 applied. This variant impacts a glycine residue in the Gly-X-Y motifs of the collagene gene which are criticial for triple helical structure formation meeting PM1 rule. Computational evidence predicted a damage impact of the mutation to the protein (PP3; REVEL:0.98). G1220D variant has been found twice in Alport Syndromes's patients (PMID: 10094548 and this report), applying to PP4 and PS4_Sup. Considering the infromation: PM2, PM1, PP3, PP4 and Ps4_Sup the variant is classified as Pathogenic.

Labcorp Genetics (formerly Invitae), Labcorp
Classification: Pathogenic. Last evaluated: 2021-05-30. Review status: criteria provided, single submitter. Criteria: Invitae Variant Classification Sherloc (09022015). Collection method: clinical testing. Allele origin: germline.
Comment: This sequence change replaces glycine with aspartic acid at codon 1220 of the COL4A5 protein (p.Gly1220Asp). The glycine residue is highly conserved and there is a moderate physicochemical difference between glycine and aspartic acid. For these reasons, this variant has been classified as Pathogenic. This variant disrupts the triple helix domain of COL4A5. Glycine residues within the Gly-Xaa-Yaa repeats of the triple helix domain are required for the structure and stability of fibrillar collagens (PMID: 7695699, 8218237, 19344236). In COL4A5, missense variants at these glycine residues are significantly enriched in individuals with disease (PMID: 23720012, 27627812) compared to the general population (ExAC). Advanced modeling of protein sequence and biophysical properties (such as structural, functional, and spatial information, amino acid conservation, physicochemical variation, residue mobility, and thermodynamic stability) performed at Invitae indicates that this missense variant is expected to disrupt COL4A5 protein function. This variant has been observed in individual(s) with Alport syndrome (PMID: 22921432, 33532864, 10094548). ClinVar contains an entry for this variant (Variation ID: 24666). This variant is also known as c.3861G>A. This variant is not present in population databases (ExAC no frequency).

Molecular Biology Laboratory, Fundació Puigvert
Classification: Likely pathogenic for X-linked Alport syndrome. Last evaluated: 2020-02-01. Review status: criteria provided, single submitter. Criteria: ACMG Guidelines, 2015. Collection method: research. Allele origin: maternal. Affected: yes. Study: KidneyPanel_2020.

Precision Medicine Center, Zhengzhou University
Classification: Pathogenic for X-linked Alport syndrome. Review status: criteria provided, single submitter. Criteria: ACMG Guidelines, 2015. Collection method: research. Allele origin: germline. Affected: yes.
Comment: PM1:Located in a mutational hot spot PM2:not found in gnomAD PM5: Novel missense change at an amino acid residue where a different missense change determined to be pathogenic has been seen before PP2:Missense variant in a gene that has a low rate of benign missense variation and in which missense variants are a common mechanism of disease PP3:Multiple lines of computational evidence support a deleterious effect on the gene or gene product

Literature cited by the submitters: PubMed 34215756 (cited by Natera, Inc.); PubMed 20378821 (cited by Natera, Inc.); PubMed 10094548 (cited by 3 submitters); PubMed 7695699 (cited by Labcorp Genetics (formerly Invitae), Labcorp); PubMed 8218237 (cited by Labcorp Genetics (formerly Invitae), Labcorp); PubMed 19344236 (cited by Labcorp Genetics (formerly Invitae), Labcorp); PubMed 23720012 (cited by Labcorp Genetics (formerly Invitae), Labcorp); PubMed 27627812 (cited by Labcorp Genetics (formerly Invitae), Labcorp); PubMed 22921432 (cited by Labcorp Genetics (formerly Invitae), Labcorp); PubMed 33532864 (cited by Labcorp Genetics (formerly Invitae), Labcorp and Molecular Biology Laboratory, Fundació Puigvert).